The following is an entry in ClinVar:

NM_002474.3(MYH11):c.1208T>C (p.Val403Ala)

Gene: MYH11 (myosin heavy chain 11; minus strand). Cytogenetic location: 16p13.11.
Variant type: single nucleotide variant.
Coding change: c.1208T>C on transcript NM_002474.3 (MANE Select); coding-DNA position 1208, T replaced by C.
Protein change: p.Val403Ala; replaces valine 403 with alanine.
Molecular consequence: missense variant.
Genome position (GRCh38, 1-based): chr16:15,760,580, A>G on the plus strand (T>C on the coding strand, the complement: MYH11 is on the minus strand). VCF-style: chr16-15760580-A-G. GRCh37 (hg19) VCF-style: chr16-15854437-A-G.
Other names: c.1229T>C, p.Val410Ala (NM_001040113.2, NM_001040114.2); c.1208T>C, p.Val403Ala (NM_022844.3); short protein forms V410A, V403A.
Identifiers: ClinVar variation 4114585 (VCV004114585.1).
Genomic context (GRCh38, chr16:15,760,580, plus strand): 5'-AGTGATAAGTACATCATTACCTGTTCTTTTGTCTGAGCTTTCTGTACCACATCTCGCCCA[A>G]CCTTGATACGAGGAGTGAGGATGGATCTGGTGAAATCTGTCACATTAATTCCCATGAGGT-3'
Protein context (NP_002465.1, residues 393-413): TRSILTPRIK[Val403Ala]GRDVVQKAQT

ClinVar aggregate classification (germline): Uncertain significance (1 of 4 stars; one submission).

Conditions:
Familial thoracic aortic aneurysm and aortic dissection (TAAD). Also called: Thoracic aortic aneurysms and dissections. Identifiers: Orphanet 91387, MedGen C4707243, MONDO:0019625.

Submission:

Ambry Genetics
Classification: Uncertain significance for Familial thoracic aortic aneurysm and aortic dissection. Last evaluated: 2025-06-28. Review status: criteria provided, single submitter. Criteria: Ambry Variant Classification Scheme 2023. Collection method: clinical testing. Allele origin: germline.
Comment: The p.V403A variant (also known as c.1208T>C), located in coding exon 10 of the MYH11 gene, results from a T to C substitution at nucleotide position 1208. The valine at codon 403 is replaced by alanine, an amino acid with similar properties. This amino acid position is conserved. In addition, the in silico prediction for this alteration is inconclusive. Based on the available evidence, the clinical significance of this variant remains unclear.